The following is an entry in ClinVar:

ClinVar aggregate classification (germline): Uncertain significance. Review status: criteria provided, multiple submitters, no conflicts (2 of 4 stars). 2 submissions from 2 submitters: Uncertain significance (2). Last evaluated 2022-07-06.

Conditions:
Cardiovascular phenotype. Identifiers: MedGen CN230736.

Submissions (2):

Ambry Genetics
Classification: Uncertain significance for Cardiovascular phenotype. Last evaluated: 2022-07-06. Review status: criteria provided, single submitter. Criteria: Ambry Variant Classification Scheme 2023. Collection method: clinical testing. Allele origin: germline.
Comment: The p.D806V variant (also known as c.2417A>T), located in coding exon 15 of the CBL gene, results from an A to T substitution at nucleotide position 2417. The aspartic acid at codon 806 is replaced by valine, an amino acid with highly dissimilar properties. This amino acid position is conserved. In addition, the in silico prediction for this alteration is inconclusive. Since supporting evidence is limited at this time, the clinical significance of this alteration remains unclear.

Revvity Omics, Revvity
Classification: Uncertain significance. Last evaluated: 2021-04-02. Review status: criteria provided, single submitter. Criteria: ACMG Guidelines, 2015. Collection method: clinical testing. Allele origin: germline.

NM_005188.4(CBL):c.2417A>T (p.Asp806Val)

Gene: CBL (Cbl proto-oncogene; plus strand). Cytogenetic location: 11q23.3.
Variant type: single nucleotide variant.
Coding change: c.2417A>T on transcript NM_005188.4 (MANE Select); coding-DNA position 2417, A replaced by T.
Protein change: p.Asp806Val; replaces aspartic acid 806 with valine.
Molecular consequence: missense variant.
Genome position (GRCh38, 1-based): chr11:119,298,523, A>T. VCF-style: chr11-119298523-A-T. GRCh37 (hg19) VCF-style: chr11-119169233-A-T.
Other names: short protein forms D806V.
Identifiers: ClinVar variation 1790952 (VCV001790952.5), dbSNP rs2496974109, ClinGen allele CA382930383.